The following is an entry in ClinVar:

NM_006493.4(CLN5):c.340-136G>A

Gene: CLN5 (CLN5 intracellular trafficking protein; plus strand). Cytogenetic location: 13q22.3.
Variant type: single nucleotide variant.
Coding change: c.340-136G>A on transcript NM_006493.4 (MANE Select); 136 bases into the intron before coding-DNA position 340, G replaced by A.
Molecular consequence: intron variant.
Genome position (GRCh38, 1-based): chr13:76,995,766, G>A. VCF-style: chr13-76995766-G-A. GRCh37 (hg19) VCF-style: chr13-77569901-G-A.
Other names: c.340-136G>A (NM_001366624.2).
Identifiers: ClinVar variation 1221740 (VCV001221740.6), dbSNP rs605153, ClinGen allele CA252176504.

ClinVar aggregate classification (germline): Benign. Review status: criteria provided, multiple submitters, no conflicts (2 of 4 stars). 3 submissions from 3 submitters: Benign (3). Last evaluated 2024-07-15.

Allele frequency attached by ClinVar (database versions not stated): gnomAD exomes 0.99098; gnomAD 0.99234 and 0.99266; TOPMed 0.99335; 1000 Genomes Project 0.99740; 1000 Genomes Project 30x 0.99750.

Submissions (3):

Unidad de Genómica Garrahan, Hospital de Pediatría Garrahan
Classification: Benign. Last evaluated: 2024-07-15. Review status: criteria provided, single submitter. Criteria: ACMG Guidelines, 2015. Collection method: clinical testing. Allele origin: germline. Affected: no. Observed: 93 variant alleles.
Comment: This variant is classified as Benign based on local population frequency. This variant was detected in 100% of patients studied in a panel designed for Epileptic and Developmental Encephalopathy and Progressive Myoclonus Epilepsy. Number of patients: 93. Only high quality variants are reported.

GeneDx
Classification: Benign. Last evaluated: 2018-06-25. Review status: criteria provided, single submitter. Criteria: GeneDx Variant Classification Process June 2021. Collection method: clinical testing. Allele origin: germline. Affected: yes.

Breakthrough Genomics
Classification: Benign. Review status: criteria provided, single submitter. Criteria: ACMG Guidelines, 2015. Collection method: not provided. Allele origin: germline. Inheritance: Autosomal recessive inheritance. Affected: yes.